The following is an entry in ClinVar:

ClinVar aggregate classification (germline): Uncertain significance (1 of 4 stars; one submission).

Submission:

Labcorp Genetics (formerly Invitae), Labcorp
Classification: Uncertain significance. Last evaluated: 2021-12-21. Review status: criteria provided, single submitter. Criteria: Invitae Variant Classification Sherloc (09022015). Collection method: clinical testing. Allele origin: germline.
Comment: This variant has not been reported in the literature in individuals affected with ELP4-related conditions. In summary, the available evidence is currently insufficient to determine the role of this variant in disease. Therefore, it has been classified as a Variant of Uncertain Significance. This variant is a gross deletion of the genomic region encompassing exon(s) 1-9 of the ELP4 gene, which includes the initiator codon. This deletion extends beyond the assayed region for this gene and therefore may encompass additional genes. It is expected to result in an absent or disrupted protein product. However, the current clinical and genetic evidence is not sufficient to establish whether loss-of-function variants in ELP4 cause disease.

NC_000011.9:g.(?_31284610)_(31671789_?)del

Genes: DCDC1 (doublecortin domain containing 1; minus strand), DNAJC24 (DnaJ heat shock protein family (Hsp40) member C24; plus strand), ELP4 (elongator acetyltransferase complex subunit 4; plus strand), IMMP1L (inner mitochondrial membrane peptidase subunit 1; minus strand). Cytogenetic location: 11p13.
Variant type: Deletion.
Identifiers: ClinVar variation 2426507 (VCV002426507.4).